The following is an entry in ClinVar:

NM_005422.4(TECTA):c.4010C>T (p.Ala1337Val)

Genes: TBCEL-TECTA (TBCEL-TECTA readthrough; plus strand), TECTA (tectorin alpha; plus strand). Cytogenetic location: 11q23.3.
Variant type: single nucleotide variant.
Coding change: c.4010C>T on transcript NM_005422.4 (MANE Select); coding-DNA position 4010, C replaced by T.
Protein change: p.Ala1337Val; replaces alanine 1337 with valine.
Molecular consequence: missense variant.
Genome position (GRCh38, 1-based): chr11:121,146,021, C>T. VCF-style: chr11-121146021-C-T. GRCh37 (hg19) VCF-style: chr11-121016730-C-T.
Other names: c.4967C>T, p.Ala1656Val (NM_001378761.1); short protein forms A1337V, A1656V.
Identifiers: ClinVar variation 1305557 (VCV001305557.6), dbSNP rs535440644, ClinGen allele CA6327330.

ClinVar aggregate classification (germline): Uncertain significance. Review status: criteria provided, multiple submitters, no conflicts (2 of 4 stars). 3 submissions from 3 submitters: Uncertain significance (3). Last evaluated 2025-09-17.

Conditions:
TECTA-related disorder. Also called: TECTA-related condition.
Inborn genetic diseases. Identifiers: MedGen C0950123, MeSH D030342.

Allele frequency attached by ClinVar (database versions not stated): ExAC 0.00005; gnomAD exomes 0.00006.
gnomAD v4.1: 34 of 1,613,898 alleles (0.0021%); highest among the groups gnomAD compares: Middle Eastern, 0.033%; no homozygotes.

Submissions (3):

PreventionGenetics, part of Exact Sciences
Classification: Uncertain significance for TECTA-related condition. Last evaluated: 2025-09-17. Review status: criteria provided, single submitter. Criteria: ACMG Guidelines, 2015. Collection method: clinical testing. Allele origin: germline.
Comment: The TECTA c.4010C>T variant is predicted to result in the amino acid substitution p.Ala1337Val. To our knowledge, this variant has not been reported in the literature. This variant is reported in 0.013% of alleles in individuals of South Asian descent in gnomAD. At this time, the clinical significance of this variant is uncertain due to the absence of conclusive functional and genetic evidence.

Ambry Genetics
Classification: Uncertain significance for Inborn genetic diseases. Last evaluated: 2024-02-05. Review status: criteria provided, single submitter. Criteria: Ambry Variant Classification Scheme 2023. Collection method: clinical testing. Allele origin: germline.

GeneDx
Classification: Uncertain significance. Last evaluated: 2024-02-01. Review status: criteria provided, single submitter. Criteria: GeneDx Variant Classification Process June 2021. Collection method: clinical testing. Allele origin: germline. Affected: yes.
Comment: In silico analysis supports that this missense variant does not alter protein structure/function; Has not been previously published as pathogenic or benign to our knowledge; This variant is associated with the following publications: (PMID: 9590290, 21520338, 31554319)